The following is an entry in ClinVar:

ClinVar aggregate classification (germline): Uncertain significance (1 of 4 stars; one submission).

Conditions:
Neurofibromatosis, type 1 (NF1). Also called: VON RECKLINGHAUSEN DISEASE; Peripheral type neurofibromatosis; Neurofibromatosis, type I; NEUROFIBROMATOSIS, TYPE I, SOMATIC. Identifiers: Orphanet 636, MedGen C0027831, MONDO:0018975, OMIM 162200. Disease mechanism: loss of function.

gnomAD v4.1: 1 of 1,613,708 alleles (0.000062%); highest among the groups gnomAD compares: Non-Finnish European, 0.000085%; no homozygotes.

Submission:

Labcorp Genetics (formerly Invitae), Labcorp
Classification: Uncertain significance for Neurofibromatosis, type 1. Last evaluated: 2022-01-14. Review status: criteria provided, single submitter. Criteria: Invitae Variant Classification Sherloc (09022015). Collection method: clinical testing. Allele origin: germline.
Comment: In summary, the available evidence is currently insufficient to determine the role of this variant in disease. Therefore, it has been classified as a Variant of Uncertain Significance. Advanced modeling of protein sequence and biophysical properties (such as structural, functional, and spatial information, amino acid conservation, physicochemical variation, residue mobility, and thermodynamic stability) performed at Invitae indicates that this missense variant is expected to disrupt NF1 protein function. This variant has not been reported in the literature in individuals affected with NF1-related conditions. This variant is not present in population databases (gnomAD no frequency). This sequence change replaces leucine, which is neutral and non-polar, with tryptophan, which is neutral and slightly polar, at codon 1906 of the NF1 protein (p.Leu1906Trp).

NM_001042492.3(NF1):c.5780T>G (p.Leu1927Trp)

Gene: NF1 (neurofibromin 1; plus strand). Cytogenetic location: 17q11.2.
Variant type: single nucleotide variant.
Coding change: c.5780T>G on transcript NM_001042492.3 (MANE Select); coding-DNA position 5780, T replaced by G.
Protein change: p.Leu1927Trp; replaces leucine 1927 with tryptophan.
Molecular consequence: missense variant.
Genome position (GRCh38, 1-based): chr17:31,330,466, T>G. VCF-style: chr17-31330466-T-G. GRCh37 (hg19) VCF-style: chr17-29657484-T-G.
Other names: c.5717T>G, p.Leu1906Trp (NM_000267.4); short protein forms L1927W, L1906W.
Identifiers: ClinVar variation 1379146 (VCV001379146.6), dbSNP rs2151544934, ClinGen allele CA399010458.